The following is an entry in ClinVar:

ClinVar aggregate classification (germline): Pathogenic/Likely pathogenic. Review status: criteria provided, multiple submitters, no conflicts (2 of 4 stars). 9 submissions from 9 submitters: Pathogenic (5); Likely pathogenic (3). 1 of the submissions does not count toward it. Last evaluated 2026-03-03.

Conditions:
Familial thoracic aortic aneurysm and aortic dissection (TAAD). Also called: Thoracic aortic aneurysms and dissections. Identifiers: Orphanet 91387, MedGen C4707243, MONDO:0019625.
Marfan syndrome (MFS). Also called: Marfan syndrome type 1; Marfan syndrome, classic; Marfan's syndrome; FBN1-Related Marfan Syndrome; MARFAN SYNDROME, TYPE I. Identifiers: Orphanet 284963, Orphanet 558, MedGen C0024796, MONDO:0007947, OMIM 154700.

Allele frequency attached by ClinVar (database versions not stated): gnomAD exomes below 0.00001.
gnomAD v4.1: 1 of 1,614,184 alleles (0.000062%); highest among the groups gnomAD compares: Non-Finnish European, 0.000085%; no homozygotes.

Submissions (9):

Ambry Genetics
Classification: Pathogenic for Familial thoracic aortic aneurysm and aortic dissection. Last evaluated: 2026-03-03. Review status: criteria provided, single submitter. Criteria: Ambry Variant Classification Scheme 2023. Collection method: clinical testing. Allele origin: germline.
Comment: The p.Y635C pathogenic mutation (also known as c.1904A>G), located in coding exon 15 of the FBN1 gene, results from an A to G substitution at nucleotide position 1904. The tyrosine at codon 635 is replaced by cysteine, an amino acid with highly dissimilar properties, and is located in the cbEGF-like #06 domain. The majority of FBN1 mutations identified to date have involved the substitution or generation of cysteine residues within cbEGF domains (Vollbrandt T et al. J Biol Chem. 2004;279(31):32924-32931). This variant was reported in individual(s) with features consistent with Marfan syndrome (Arbustini E et al. Hum Mutat, 2005 Nov;26:494; Sakai H et al. Am J Med Genet A, 2006 Aug;140:1719-25; Attanasio M et al. Clin Genet, 2008 Jul;74:39-46; Proost D et al. Hum Mutat, 2015 Aug;36:808-14; Gentilini D et al. PLoS One, 2019 Sep;14:e0222506; Ambry internal data). This variant alters a conserved residue in the calcium-binding consensus sequence of a cbEGF domain and is expected to disrupt FBN1 function (Handford PA et al. Nature. 1991; 351(6322):164-7). This amino acid position is not well conserved in available vertebrate species. In addition, this alteration is predicted to be deleterious by in silico analysis. This variant is considered to be rare based on population cohorts in the Genome Aggregation Database (gnomAD). Based on the supporting evidence, this variant is interpreted as a disease-causing mutation.

Labcorp Genetics (formerly Invitae), Labcorp
Classification: Pathogenic for Marfan syndrome; Familial thoracic aortic aneurysm and aortic dissection. Last evaluated: 2025-06-22. Review status: criteria provided, single submitter. Criteria: Invitae Variant Classification Sherloc (09022015). Collection method: clinical testing. Allele origin: germline.
Comment: This sequence change replaces tyrosine, which is neutral and polar, with cysteine, which is neutral and slightly polar, at codon 635 of the FBN1 protein (p.Tyr635Cys). This variant is not present in population databases (gnomAD no frequency). This missense change has been observed in individual(s) with ectopia lentis and/or Marfan syndrome (PMID: 16222657, 18435798; internal data). In at least one individual the variant was observed to be de novo. ClinVar contains an entry for this variant (Variation ID: 520493). Invitae Evidence Modeling of protein sequence and biophysical properties (such as structural, functional, and spatial information, amino acid conservation, physicochemical variation, residue mobility, and thermodynamic stability) indicates that this missense variant is expected to disrupt FBN1 protein function with a positive predictive value of 95%. For these reasons, this variant has been classified as Pathogenic.

GeneDx
Classification: Pathogenic. Last evaluated: 2023-11-17. Review status: criteria provided, single submitter. Criteria: GeneDx Variant Classification Process June 2021. Collection method: clinical testing. Allele origin: germline. Affected: yes.
Comment: In silico analysis, which includes protein predictors and evolutionary conservation, supports a deleterious effect; Reported in ClinVar (ClinVar Variant ID# 520493; ClinVar); Not observed at significant frequency in large population cohorts (gnomAD); Introduces a new cysteine residue within a calcium-binding EGF-like domain of the FBN1 gene, which may affect disulfide bonding and is predicted to alter the structure and function of the protein; cysteine substitutions in the calcium-binding EGF-like domains represent the majority of pathogenic missense changes associated with FBN1-related disorders (PMID: 12938084); This variant is associated with the following publications: (PMID: 34550612, 18435798, 31536524, 35058154, 20591885, 12938084, 16222657)

Centre of Medical Genetics, University of Antwerp
Classification: Likely pathogenic for Marfan syndrome. Last evaluated: 2021-03-01. Review status: criteria provided, single submitter. Criteria: Submitter's publication. Collection method: research. Allele origin: unknown. Affected: yes. Observed: 3 variant alleles.
Comment: PM2, PS5, PP1, PP4 or PM2, PS5, PP4

Victorian Clinical Genetics Services, Murdoch Childrens Research Institute
Classification: Pathogenic for Marfan syndrome. Last evaluated: 2020-10-19. Review status: criteria provided, single submitter. Criteria: ACMG Guidelines, 2015. Collection method: clinical testing. Allele origin: germline. Inheritance: Autosomal dominant inheritance. Affected: yes.
Comment: Based on the classification scheme VCGS_Germline_v1.3.3, this variant is classified as Pathogenic. Following criteria are met: 0103 - Dominant negative and loss of function are known mechanisms of disease in this gene and are associated with FBN1-related disease. Variants predicted to result in nonsense mediated decay cause loss of function effects, and are more commonly associated with severe Marfan syndrome. Missense with both dominant negative and loss of function effects on protein function, are also associated with causing Marfan syndrome and ectopia lentis (OMIM, PMID: 29357934). The exact genotype-phenotype correlation for this gene is still unclear, and compounded by variable expressivity (GeneReviews). (I) 0108 - This gene is associated with both recessive and dominant disease. Patients with a recessive form of disease have Marfan syndrome, however there are very few reports (OMIM). (I) 0115 - Variants in this gene are known to have variable expressivity. The genotype-phenotype correlations for this gene are unclear, with single variants reported in patients with a range of phenotypes (GeneReviews, OMIM). (I) 0200 - Variant is predicted to result in a missense amino acid change from tyrosine to cysteine (exon 16). (I) 0251 - This variant is heterozygous. (I) 0301 - Variant is absent from gnomAD (both v2 and v3). (SP) 0501 - Missense variant consistently predicted to be damaging by multiple in silico tools and moderately conserved with a major amino acid change. (SP) 0601 - Variant is located in a functional calcium-binding EGF-like domain (NCBI). (SP) 0705 - No comparable missense variants have previous evidence for pathogenicity. (I) 0801 - This variant has strong previous evidence of pathogenicity in unrelated individuals. The variant has been previously reported in patients with both familial ectopia lentis and Marfan syndrome (ClinVar, PMID: 16222657, 16835936, 18435798, 24501682). (SP) 0905 - No published segregation evidence has been identified for this variant. (I) 1007 - No published functional evidence has been identified for this variant. (I) Legend: (SP) - Supporting pathogenic, (I) - Information, (SB) - Supporting benign

CHEO Genetics Diagnostic Laboratory, Children's Hospital of Eastern Ontario
Classification: Likely pathogenic for Familial thoracic aortic aneurysm and aortic dissection. Last evaluated: 2019-02-20. Review status: criteria provided, single submitter. Criteria: ACMG Guidelines, 2015. Collection method: clinical testing. Allele origin: germline.

Molecular Diagnostic Laboratory for Inherited Cardiovascular Disease, Montreal Heart Institute
Classification: Likely pathogenic for Marfan syndrome. Last evaluated: 2017-06-12. Review status: criteria provided, single submitter. Criteria: ACMG Guidelines, 2015. Collection method: clinical testing. Allele origin: germline. Affected: yes.

Center for Human Genetics, Inc
Classification: Pathogenic for Marfan syndrome. Last evaluated: 2016-11-01. Review status: criteria provided, single submitter. Criteria: ACMG Guidelines, 2015. Collection method: clinical testing. Allele origin: germline. Affected: yes.

Center for Medical Genetics Ghent, University of Ghent
Classification: Likely pathogenic for Marfan syndrome. Last evaluated: 2017-11-07. Review status: no assertion criteria provided. Collection method: clinical testing. Allele origin: germline. Affected: yes. Not counted in ClinVar's aggregate classification.

Literature cited by the submitters: PubMed 16222657 (cited by 3 submitters); PubMed 16835936 (cited by Ambry Genetics and Victorian Clinical Genetics Services, Murdoch Childrens Research Institute); PubMed 18435798 (cited by 3 submitters); PubMed 25907466 (cited by Ambry Genetics); PubMed 31536524 (cited by Ambry Genetics); PubMed 24501682 (cited by Victorian Clinical Genetics Services, Murdoch Childrens Research Institute); PubMed 29357934 (cited by Victorian Clinical Genetics Services, Murdoch Childrens Research Institute).

NM_000138.5(FBN1):c.1904A>G (p.Tyr635Cys)

Gene: FBN1 (fibrillin 1; minus strand). Cytogenetic location: 15q21.1.
Variant type: single nucleotide variant.
Coding change: c.1904A>G on transcript NM_000138.5 (MANE Select); coding-DNA position 1904, A replaced by G.
Protein change: p.Tyr635Cys; replaces tyrosine 635 with cysteine.
Molecular consequence: missense variant.
Genome position (GRCh38, 1-based): chr15:48,505,081, T>C on the plus strand (A>G on the coding strand, the complement: FBN1 is on the minus strand). VCF-style: chr15-48505081-T-C. GRCh37 (hg19) VCF-style: chr15-48797278-T-C.
Other names: short protein forms Y635C.
Identifiers: ClinVar variation 520493 (VCV000520493.34), dbSNP rs1555399816, ClinGen allele CA392339070.